The following is an entry in ClinVar:

ClinVar aggregate classification (germline): Uncertain significance (1 of 4 stars; one submission).

Submission:

Women's Health and Genetics/Laboratory Corporation of America, LabCorp
Classification: Uncertain significance. Last evaluated: 2026-03-19. Review status: criteria provided, single submitter. Criteria: LabCorp Variant Classification Summary - May 2015. Collection method: clinical testing. Allele origin: germline.
Comment: Variant summary: ABCA4 c.5018+5G>C alters a conserved nucleotide located close to a canonical splice site and therefore could affect mRNA splicing, leading to a significantly altered protein sequence. Several computational tools predict a significant impact on normal splicing: Three predict the variant abolishes a canonical 5' splicing donor site and one predicts the variant weakens a canonical 5' donor site. However, these predictions have yet to be confirmed by functional studies. The variant was absent in 251448 control chromosomes. The available data on variant occurrences in the general population are insufficient to allow any conclusion about variant significance. To our knowledge, no occurrence of c.5018+5G>C in individuals affected with ABCA4-related conditions and no experimental evidence demonstrating its impact on protein function have been reported. No submitters have cited clinical-significance assessments for this variant to ClinVar. Based on the evidence outlined above, the variant was classified as uncertain significance.

NM_000350.3(ABCA4):c.5018+5G>C

Genes: ABCA4 (ATP binding cassette subfamily A member 4; minus strand), LOC126805793 (CDK7 strongly-dependent group 2 enhancer GRCh37_chr1:94486302-94487501; plus strand). Cytogenetic location: 1p22.1.
Variant type: single nucleotide variant.
Coding change: c.5018+5G>C on transcript NM_000350.3 (MANE Select); 5 bases into the intron after coding-DNA position 5018, G replaced by C.
Molecular consequence: intron variant.
Genome position (GRCh38, 1-based): chr1:94,021,235, C>G on the plus strand (G>C on the coding strand, the complement: ABCA4 is on the minus strand). VCF-style: chr1-94021235-C-G. GRCh37 (hg19) VCF-style: chr1-94486791-C-G.
Other names: c.4796+5G>C (NM_001425324.1).
Identifiers: ClinVar variation 4847070 (VCV004847070.1).